The following is an entry in ClinVar:

ClinVar aggregate classification (germline): Uncertain significance (1 of 4 stars; one submission).

Submission:

Greenwood Genetic Center Diagnostic Laboratories, Greenwood Genetic Center
Classification: Uncertain significance. Last evaluated: 2021-01-06. Review status: criteria provided, single submitter. Criteria: ACMG Guidelines, 2015. Collection method: clinical testing. Allele origin: germline. Affected: yes.
Comment: PM2

NM_005618.4(DLL1):c.349C>T (p.Pro117Ser)

Gene: DLL1 (delta like canonical Notch ligand 1; minus strand). Cytogenetic location: 6q27.
Variant type: single nucleotide variant.
Coding change: c.349C>T on transcript NM_005618.4 (MANE Select); coding-DNA position 349, C replaced by T.
Protein change: p.Pro117Ser; replaces proline 117 with serine.
Molecular consequence: missense variant.
Genome position (GRCh38, 1-based): chr6:170,289,514, G>A on the plus strand (C>T on the coding strand, the complement: DLL1 is on the minus strand). VCF-style: chr6-170289514-G-A. GRCh37 (hg19) VCF-style: chr6-170598602-G-A.
Other names: short protein forms P117S.
Identifiers: ClinVar variation 1331631 (VCV001331631.4), dbSNP rs1434611261, ClinGen allele CA366509791.